The following is an entry in ClinVar:

ClinVar aggregate classification (germline): Uncertain significance (1 of 4 stars; one submission).

gnomAD v4.1: 2 of 1,606,132 alleles (0.00012%); highest among the groups gnomAD compares: Non-Finnish European, 0.00017%; no homozygotes.

Submission:

Labcorp Genetics (formerly Invitae), Labcorp
Classification: Uncertain significance. Last evaluated: 2024-04-22. Review status: criteria provided, single submitter. Criteria: Invitae Variant Classification Sherloc (09022015). Collection method: clinical testing. Allele origin: germline.
Comment: This sequence change replaces isoleucine, which is neutral and non-polar, with methionine, which is neutral and non-polar, at codon 411 of the PDE4D protein (p.Ile411Met). This variant is not present in population databases (gnomAD no frequency). This variant has not been reported in the literature in individuals affected with PDE4D-related conditions. Advanced modeling of protein sequence and biophysical properties (such as structural, functional, and spatial information, amino acid conservation, physicochemical variation, residue mobility, and thermodynamic stability) performed at Invitae indicates that this missense variant is expected to disrupt PDE4D protein function with a positive predictive value of 80%. In summary, the available evidence is currently insufficient to determine the role of this variant in disease. Therefore, it has been classified as a Variant of Uncertain Significance.

NM_001104631.2(PDE4D):c.1233A>G (p.Ile411Met)

Gene: PDE4D (phosphodiesterase 4D; minus strand). Cytogenetic location: 5q11.2.
Variant type: single nucleotide variant.
Coding change: c.1233A>G on transcript NM_001104631.2 (MANE Select); coding-DNA position 1233, A replaced by G.
Protein change: p.Ile411Met; replaces isoleucine 411 with methionine.
Molecular consequence: missense variant.
Genome position (GRCh38, 1-based): chr5:58,990,858, T>C on the plus strand (A>G on the coding strand, the complement: PDE4D is on the minus strand). VCF-style: chr5-58990858-T-C. GRCh37 (hg19) VCF-style: chr5-58286685-T-C.
Other names: c.1050A>G, p.Ile350Met (NM_001165899.2, NM_001364599.1); c.1041A>G, p.Ile347Met (NM_001197218.2); c.867A>G, p.Ile289Met (NM_001197219.2); c.843A>G, p.Ile281Met (NM_001197220.2); c.327A>G, p.Ile109Met (NM_001197221.2, NM_001364603.1); c.561A>G, p.Ile187Met (NM_001197222.2); c.360A>G, p.Ile120Met (NM_001197223.2); c.1020A>G, p.Ile340Met (NM_001349241.2); and 3 more; short protein forms I275M, I411M, I340M, I350M, I120M, I187M, I301M, I347M.
Identifiers: ClinVar variation 3709784 (VCV003709784.2).
Genomic context (GRCh38, chr5:58,990,858, plus strand): 5'-CCTTACCTGAAAAATGGTGTGCATGATAACAGTCAAGGGCCGGTTACCAGACAACTCTGC[T>C]ATTCTGAAAACATGAAGACCCCATTTGTTCACATCTTCTAGTTCCTGGAGTGAAAAAAAA-3'
Protein context (NP_001098101.1, residues 401-421): VNKWGLHVFR[Ile411Met]AELSGNRPLT